The following is an entry in ClinVar:

NM_001042492.3(NF1):c.3755delinsAG (p.Leu1252Ter)

Gene: NF1 (neurofibromin 1; plus strand). Cytogenetic location: 17q11.2.
Variant type: Indel.
Coding change: c.3755delinsAG on transcript NM_001042492.3 (MANE Select); coding-DNA position 3755, T replaced by AG.
Protein change: p.Leu1252Ter; replaces leucine 1252 with a stop codon.
Molecular consequence: nonsense. On other transcripts: frameshift variant (1).
Genome position (GRCh38, 1-based): chr17:31,235,657, T replaced by AG. VCF-style: chr17-31235657-T-AG. GRCh37 (hg19) VCF-style: chr17-29562675-T-AG.
Other names: c.3755delTinsAG, p.Leu1252Terfs (NM_000267.4); short protein forms L1252*.
Identifiers: ClinVar variation 2582956 (VCV002582956.25), dbSNP rs2508258723, ClinGen allele CA2582342156.

ClinVar aggregate classification (germline): Pathogenic (1 of 4 stars; one submission).

Submission:

CeGaT Center for Human Genetics Tuebingen
Classification: Pathogenic. Last evaluated: 2023-09-01. Review status: criteria provided, single submitter. Criteria: CeGaT Center For Human Genetics Tuebingen Variant Classification Criteria Version 2. Collection method: clinical testing. Allele origin: germline. Affected: yes. Observed: 1 variant allele.
Comment: NF1: PVS1, PM2